The following is an entry in ClinVar:

ClinVar aggregate classification (germline): Likely benign. Review status: criteria provided, multiple submitters, no conflicts (2 of 4 stars). 2 submissions from 2 submitters: Likely benign (2). Last evaluated 2025-09-08.

Allele frequency attached by ClinVar (database versions not stated): gnomAD exomes 0.00001; gnomAD 0.00006; 1000 Genomes Project 30x 0.00031.
gnomAD v4.1: 22 of 1,579,072 alleles (0.0014%); highest among the groups gnomAD compares: African/African-American, 0.028%; no homozygotes.

Submissions (2):

Labcorp Genetics (formerly Invitae), Labcorp
Classification: Likely benign. Last evaluated: 2025-09-08. Review status: criteria provided, single submitter. Criteria: Invitae Variant Classification Sherloc (09022015). Collection method: clinical testing. Allele origin: germline.

Laboratory for Molecular Medicine, Mass General Brigham Personalized Medicine
Classification: Likely benign. Last evaluated: 2017-11-27. Review status: criteria provided, single submitter. Criteria: LMM Criteria. Collection method: clinical testing. Allele origin: germline. Observed: 1 variant allele.
Comment: c.1307+14G>A in intron 6 of ADCY1: This variant is not expected to have clinical significance because it is not located within the splice consensus sequence and it is not predicted to impact splicing. It has been identified in 3/21172 Afric an chromosomes by the Genome Aggregation Database (gnomAD). ACMG/AMP Criteria applied: BP4, BP7.

NM_021116.4(ADCY1):c.1307+14G>A

Gene: ADCY1 (adenylate cyclase 1; plus strand). Cytogenetic location: 7p12.3.
Variant type: single nucleotide variant.
Coding change: c.1307+14G>A on transcript NM_021116.4 (MANE Select); 14 bases into the intron after coding-DNA position 1307, G replaced by A.
Molecular consequence: intron variant.
Genome position (GRCh38, 1-based): chr7:45,657,899, G>A. VCF-style: chr7-45657899-G-A. GRCh37 (hg19) VCF-style: chr7-45697498-G-A.
Other names: c.632+14G>A (NM_001281768.2).
Identifiers: ClinVar variation 506197 (VCV000506197.7), dbSNP rs886629273, ClinGen allele CA157996782.